The following is an entry in ClinVar:

NM_004360.5(CDH1):c.388-4T>C

Gene: CDH1 (cadherin 1; plus strand). Cytogenetic location: 16q22.1.
Variant type: single nucleotide variant.
Coding change: c.388-4T>C on transcript NM_004360.5 (MANE Select); 4 bases into the intron before coding-DNA position 388, T replaced by C.
Molecular consequence: intron variant.
Genome position (GRCh38, 1-based): chr16:68,808,420, T>C. VCF-style: chr16-68808420-T-C. GRCh37 (hg19) VCF-style: chr16-68842323-T-C.
Other names: c.388-4T>C (LRG_301t1, NM_001317184.2); c.-1228-4T>C (NM_001317185.2); c.-1432-4T>C (NM_001317186.2).
Identifiers: ClinVar variation 239904 (VCV000239904.25), dbSNP rs750722169, ClinGen allele CA8129862.

ClinVar aggregate classification (germline): Conflicting classifications of pathogenicity. Review status: criteria provided, conflicting classifications (1 of 4 stars). 9 submissions from 9 submitters: Uncertain significance (1); Likely benign (7). 1 of the submissions does not count toward it. Last evaluated 2025-08-29.

Conditions:
Ovarian cancer. Also called: OVARIAN CANCER, SOMATIC. Identifiers: Orphanet 213500, MedGen C1140680, MONDO:0008170, OMIM 167000.
Familial cancer of breast. Also called: hereditary breast carcinoma; Hereditary breast cancer; BREAST CANCER, FAMILIAL. Identifiers: Orphanet 227535, MedGen C0346153, MONDO:0016419, OMIM 114480. Disease mechanism: loss of function.
Hereditary cancer-predisposing syndrome. Also called: Neoplastic Syndromes, Hereditary; Hereditary Cancer Syndrome; Tumor predisposition; Hereditary neoplastic syndrome. Identifiers: Orphanet 140162, MedGen C0027672, MeSH D009386, MONDO:0015356.
Hereditary diffuse gastric adenocarcinoma (HDGC). Also called: DIFFUSE GASTRIC AND LOBULAR BREAST CANCER SYNDROME. Identifiers: Orphanet 26106, MedGen C1708349, MONDO:0007648, OMIM 137215.
Breast and/or ovarian cancer. Identifiers: MedGen CN221562.

Allele frequency attached by ClinVar (database versions not stated): gnomAD 0.00001 and 0.00002; gnomAD exomes 0.00001; TOPMed 0.00001; ExAC 0.00002.
gnomAD v4.1: 11 of 1,614,074 alleles (0.00068%); highest among the groups gnomAD compares: South Asian, 0.0033%; no homozygotes.

Submissions (9):

Labcorp Genetics (formerly Invitae), Labcorp
Classification: Likely benign for Hereditary diffuse gastric adenocarcinoma. Last evaluated: 2025-08-29. Review status: criteria provided, single submitter. Criteria: Invitae Variant Classification Sherloc (09022015). Collection method: clinical testing. Allele origin: germline.

Blueprint Genetics
Classification: Likely benign. Last evaluated: 2024-02-01. Review status: criteria provided, single submitter. Criteria: ACMG Guidelines, 2015. Collection method: clinical testing. Allele origin: germline.

Myriad Genetics, Inc.
Classification: Likely benign for Hereditary diffuse gastric adenocarcinoma. Last evaluated: 2023-03-03. Review status: criteria provided, single submitter. Criteria: Myriad Autosomal Dominant, Autosomal Recessive and X-Linked Classification Criteria (2023). Collection method: clinical testing. Allele origin: unknown.
Comment: This variant is considered likely benign. This variant is intronic and is not expected to impact mRNA splicing.

Department of Pathology and Laboratory Medicine, Sinai Health System
Classification: Likely benign for Familial cancer of breast; Ovarian cancer. Last evaluated: 2023-01-10. Review status: criteria provided, single submitter. Criteria: ACMG Guidelines, 2015. Collection method: clinical testing. Allele origin: germline. Affected: yes.

CHEO Genetics Diagnostic Laboratory, Children's Hospital of Eastern Ontario
Classification: Uncertain significance for Breast and/or ovarian cancer. Last evaluated: 2021-07-22. Review status: criteria provided, single submitter. Criteria: ACMG Guidelines, 2015. Collection method: clinical testing. Allele origin: germline.

Ambry Genetics
Classification: Likely benign for Hereditary cancer-predisposing syndrome. Last evaluated: 2018-03-14. Review status: criteria provided, single submitter. Criteria: Ambry Variant Classification Scheme 2023. Collection method: clinical testing. Allele origin: germline.

GeneDx
Classification: Likely benign. Last evaluated: 2017-07-20. Review status: criteria provided, single submitter. Criteria: GeneDx Variant Classification (06012015). Collection method: clinical testing. Allele origin: germline. Affected: yes.
Comment: This variant is considered likely benign or benign based on one or more of the following criteria: it is a conservative change, it occurs at a poorly conserved position in the protein, it is predicted to be benign by multiple in silico algorithms, and/or has population frequency not consistent with disease.

Color Diagnostics, LLC DBA Color Health
Classification: Likely benign for Hereditary cancer-predisposing syndrome. Last evaluated: 2017-01-30. Review status: criteria provided, single submitter. Criteria: ACMG Guidelines, 2015. Collection method: clinical testing. Allele origin: germline.

Counsyl
Classification: Likely benign for Hereditary diffuse gastric adenocarcinoma. Last evaluated: 2016-09-26. Review status: no assertion criteria provided. Collection method: clinical testing. Allele origin: unknown. Not counted in ClinVar's aggregate classification.